The following is an entry in ClinVar:

NM_001077653.2(TBX20):c.179G>T (p.Ser60Ile)

Gene: TBX20 (T-box transcription factor 20; minus strand). Cytogenetic location: 7p14.2.
Variant type: single nucleotide variant.
Coding change: c.179G>T on transcript NM_001077653.2 (MANE Select); coding-DNA position 179, G replaced by T.
Protein change: p.Ser60Ile; replaces serine 60 with isoleucine.
Molecular consequence: missense variant.
Genome position (GRCh38, 1-based): chr7:35,250,152, C>A on the plus strand (G>T on the coding strand, the complement: TBX20 is on the minus strand). VCF-style: chr7-35250152-C-A. GRCh37 (hg19) VCF-style: chr7-35289764-C-A.
Other names: c.179G>T, p.Ser60Ile (NM_001166220.1); short protein forms S60I.
Identifiers: ClinVar variation 1375594 (VCV001375594.9), dbSNP rs1195753406, ClinGen allele CA367265322.

ClinVar aggregate classification (germline): Uncertain significance. Review status: criteria provided, multiple submitters, no conflicts (2 of 4 stars). 2 submissions from 2 submitters: Uncertain significance (2). Last evaluated 2023-07-05.

Conditions:
Cardiovascular phenotype. Identifiers: MedGen CN230736.

Submissions (2):

Ambry Genetics
Classification: Uncertain significance for Cardiovascular phenotype. Last evaluated: 2023-07-05. Review status: criteria provided, single submitter. Criteria: Ambry Variant Classification Scheme 2023. Collection method: clinical testing. Allele origin: germline.
Comment: The p.S60I variant (also known as c.179G>T), located in coding exon 2 of the TBX20 gene, results from a G to T substitution at nucleotide position 179. The serine at codon 60 is replaced by isoleucine, an amino acid with dissimilar properties. This amino acid position is conserved. In addition, this alteration is predicted to be tolerated by in silico analysis. Since supporting evidence is limited at this time, the clinical significance of this alteration remains unclear.

Labcorp Genetics (formerly Invitae), Labcorp
Classification: Uncertain significance. Last evaluated: 2022-07-17. Review status: criteria provided, single submitter. Criteria: Invitae Variant Classification Sherloc (09022015). Collection method: clinical testing. Allele origin: germline.
Comment: This variant is not present in population databases (gnomAD no frequency). This variant has not been reported in the literature in individuals affected with TBX20-related conditions. ClinVar contains an entry for this variant (Variation ID: 1375594). Algorithms developed to predict the effect of missense changes on protein structure and function (SIFT, PolyPhen-2, Align-GVGD) all suggest that this variant is likely to be tolerated. In summary, the available evidence is currently insufficient to determine the role of this variant in disease. Therefore, it has been classified as a Variant of Uncertain Significance. This sequence change replaces serine, which is neutral and polar, with isoleucine, which is neutral and non-polar, at codon 60 of the TBX20 protein (p.Ser60Ile).